The following is an entry in ClinVar:

NM_001258392.3(CLPB):c.788T>C (p.Leu263Pro)

Gene: CLPB (ClpB family mitochondrial disaggregase; minus strand). Cytogenetic location: 11q13.4.
Variant type: single nucleotide variant.
Coding change: c.788T>C on transcript NM_001258392.3 (MANE Select); coding-DNA position 788, T replaced by C.
Protein change: p.Leu263Pro; replaces leucine 263 with proline.
Molecular consequence: missense variant.
Genome position (GRCh38, 1-based): chr11:72,329,792, A>G on the plus strand (T>C on the coding strand, the complement: CLPB is on the minus strand). VCF-style: chr11-72329792-A-G. GRCh37 (hg19) VCF-style: chr11-72040836-A-G.
Other names: c.701T>C, p.Leu234Pro (NM_001258393.3); c.743T>C, p.Leu248Pro (NM_001258394.3); c.878T>C, p.Leu293Pro (NM_030813.6); short protein forms L234P, L248P, L263P, L293P.
Identifiers: ClinVar variation 3364240 (VCV003364240.1).

ClinVar aggregate classification (germline): Uncertain significance (1 of 4 stars; one submission).

Submission:

GeneDx
Classification: Uncertain significance. Last evaluated: 2023-11-12. Review status: criteria provided, single submitter. Criteria: GeneDx Variant Classification Process June 2021. Collection method: clinical testing. Allele origin: germline. Affected: yes.
Comment: Not observed at significant frequency in large population cohorts (gnomAD); In silico analysis supports that this missense variant does not alter protein structure/function; Has not been previously published as pathogenic or benign to our knowledge